The following is an entry in ClinVar:

NM_000186.4(CFH):c.3505A>C (p.Ile1169Leu)

Gene: CFH (complement factor H; plus strand). Cytogenetic location: 1q31.3.
Variant type: single nucleotide variant.
Coding change: c.3505A>C on transcript NM_000186.4 (MANE Select); coding-DNA position 3505, A replaced by C.
Protein change: p.Ile1169Leu; replaces isoleucine 1169 with leucine.
Molecular consequence: missense variant.
Genome position (GRCh38, 1-based): chr1:196,747,122, A>C. VCF-style: chr1-196747122-A-C. GRCh37 (hg19) VCF-style: chr1-196716252-A-C.
Other names: short protein forms I1169L.
Identifiers: ClinVar variation 4291593 (VCV004291593.1).

ClinVar aggregate classification (germline): Uncertain significance (1 of 4 stars; one submission).

Conditions:
Atypical hemolytic-uremic syndrome. Identifiers: Orphanet 2134, MedGen C2931788, MONDO:0016244.

Submission:

Genomenon, Inc
Classification: Uncertain significance for Atypical hemolytic-uremic syndrome. Last evaluated: 2025-10-02. Review status: criteria provided, single submitter. Criteria: Genomenon Sequence Variant Interpretation Standards - Updated. Collection method: curation. Allele origin: germline. Affected: yes.
Comment: CFH p.Ile1169Leu (c.3505A>C) is a missense variant that changes the amino acid at residue 1169 from Isoleucine to Leucine. This variant has been observed in at least one proband affected with atypical hemolytic-uremic syndrome (PMID:20513133). Functional studies have been reported (PMID:34189567). It is absent or not present at a significant frequency in gnomAD. In conclusion, we classify CFH p.Ile1169Leu (c.3505A>C) as a variant of uncertain significance.

Literature cited by the submitters: PubMed 20513133; PubMed 34189567.